The following is an entry in ClinVar:

ClinVar aggregate classification (germline): Uncertain significance. Review status: criteria provided, multiple submitters, no conflicts (2 of 4 stars). 2 submissions from 2 submitters: Uncertain significance (2). Last evaluated 2024-10-30.

Conditions:
Brachydactyly type B1 (BDB1). Identifiers: Orphanet 572385, Orphanet 93383, MedGen C1862112, MONDO:0007220, OMIM 113000.
Autosomal recessive Robinow syndrome (RRS1). Also called: ROR2-Related Robinow Syndrome; COSTOVERTEBRAL SEGMENTATION DEFECT WITH MESOMELIA; COVESDEM SYNDROME; ROBINOW SYNDROME, AUTOSOMAL RECESSIVE 1. Identifiers: Orphanet 1507, Orphanet 97360, MedGen C5399974, MONDO:0009999, OMIM 268310.

Allele frequency attached by ClinVar (database versions not stated): ExAC 0.00001; gnomAD 0.00001; TOPMed 0.00002; gnomAD exomes 0.00005.
gnomAD v4.1: 32 of 1,613,416 alleles (0.002%); highest among the groups gnomAD compares: Non-Finnish European, 0.0026%; no homozygotes.

Submissions (2):

Labcorp Genetics (formerly Invitae), Labcorp
Classification: Uncertain significance. Last evaluated: 2024-10-30. Review status: criteria provided, single submitter. Criteria: Invitae Variant Classification Sherloc (09022015). Collection method: clinical testing. Allele origin: germline.
Comment: This sequence change replaces serine, which is neutral and polar, with cysteine, which is neutral and slightly polar, at codon 744 of the ROR2 protein (p.Ser744Cys). This variant is present in population databases (rs757417316, gnomAD 0.003%). This variant has not been reported in the literature in individuals affected with ROR2-related conditions. ClinVar contains an entry for this variant (Variation ID: 2063750). Invitae Evidence Modeling of protein sequence and biophysical properties (such as structural, functional, and spatial information, amino acid conservation, physicochemical variation, residue mobility, and thermodynamic stability) indicates that this missense variant is not expected to disrupt ROR2 protein function with a negative predictive value of 80%. In summary, the available evidence is currently insufficient to determine the role of this variant in disease. Therefore, it has been classified as a Variant of Uncertain Significance.

Fulgent Genetics
Classification: Uncertain significance for Brachydactyly type B1; Autosomal recessive Robinow syndrome. Last evaluated: 2024-06-14. Review status: criteria provided, single submitter. Criteria: ACMG Guidelines, 2015. Collection method: clinical testing. Allele origin: germline.

NM_004560.4(ROR2):c.2230A>T (p.Ser744Cys)

Gene: ROR2 (receptor tyrosine kinase like orphan receptor 2; minus strand). Cytogenetic location: 9q22.31.
Variant type: single nucleotide variant.
Coding change: c.2230A>T on transcript NM_004560.4 (MANE Select); coding-DNA position 2230, A replaced by T.
Protein change: p.Ser744Cys; replaces serine 744 with cysteine.
Molecular consequence: missense variant.
Genome position (GRCh38, 1-based): chr9:91,724,264, T>A on the plus strand (A>T on the coding strand, the complement: ROR2 is on the minus strand). VCF-style: chr9-91724264-T-A. GRCh37 (hg19) VCF-style: chr9-94486546-T-A.
Other names: short protein forms S744C.
Identifiers: ClinVar variation 2063750 (VCV002063750.5), dbSNP rs757417316, ClinGen allele CA5120446.